The following is an entry in ClinVar:

ClinVar aggregate classification (germline): Uncertain significance. Review status: criteria provided, multiple submitters, no conflicts (2 of 4 stars). 3 submissions from 3 submitters: Uncertain significance (2). 1 of the submissions does not count toward it. Last evaluated 2025-05-19.

Conditions:
Tuberous sclerosis 2 (TSC2). Identifiers: Orphanet 805, MedGen C1860707, MONDO:0013199, OMIM 613254.
TSC2-related disorder. Also called: TSC2-Related Disorders; TSC2-related condition.
Hereditary cancer-predisposing syndrome. Also called: Hereditary neoplastic syndrome; Neoplastic Syndromes, Hereditary; Tumor predisposition; Hereditary Cancer Syndrome. Identifiers: Orphanet 140162, MedGen C0027672, MeSH D009386, MONDO:0015356.

Allele frequency attached by ClinVar (database versions not stated): gnomAD exomes below 0.00001; TOPMed below 0.00001.
gnomAD v4.1: 2 of 1,612,768 alleles (0.00012%); highest among the groups gnomAD compares: South Asian, 0.0011%; no homozygotes.

Submissions (3):

Ambry Genetics
Classification: Uncertain significance for Hereditary cancer-predisposing syndrome. Last evaluated: 2025-05-19. Review status: criteria provided, single submitter. Criteria: Ambry Variant Classification Scheme 2023. Collection method: clinical testing. Allele origin: germline.
Comment: The p.P1092S variant (also known as c.3274C>T), located in coding exon 27 of the TSC2 gene, results from a C to T substitution at nucleotide position 3274. The proline at codon 1092 is replaced by serine, an amino acid with similar properties. This amino acid position is conserved. In addition, the in silico prediction for this alteration is inconclusive. Based on the available evidence, the clinical significance of this variant remains unclear.

Labcorp Genetics (formerly Invitae), Labcorp
Classification: Uncertain significance for Tuberous sclerosis 2. Last evaluated: 2024-12-19. Review status: criteria provided, single submitter. Criteria: Invitae Variant Classification Sherloc (09022015). Collection method: clinical testing. Allele origin: germline.
Comment: This sequence change replaces proline, which is neutral and non-polar, with serine, which is neutral and polar, at codon 1092 of the TSC2 protein (p.Pro1092Ser). This variant is not present in population databases (gnomAD no frequency). This variant has not been reported in the literature in individuals affected with TSC2-related conditions. ClinVar contains an entry for this variant (Variation ID: 1045275). Invitae Evidence Modeling of protein sequence and biophysical properties (such as structural, functional, and spatial information, amino acid conservation, physicochemical variation, residue mobility, and thermodynamic stability) indicates that this missense variant is not expected to disrupt TSC2 protein function with a negative predictive value of 95%. In summary, the available evidence is currently insufficient to determine the role of this variant in disease. Therefore, it has been classified as a Variant of Uncertain Significance.

PreventionGenetics, part of Exact Sciences
Classification: Uncertain significance for TSC2-related condition. Last evaluated: 2024-02-28. Review status: no assertion criteria provided. Collection method: clinical testing. Allele origin: germline. Not counted in ClinVar's aggregate classification.
Comment: The TSC2 c.3274C>T variant is predicted to result in the amino acid substitution p.Pro1092Ser. To our knowledge, this variant has not been reported in the literature or in a large population database, indicating this variant is rare. At this time, the clinical significance of this variant is uncertain due to the absence of conclusive functional and genetic evidence.

NM_000548.5(TSC2):c.3274C>T (p.Pro1092Ser)

Gene: TSC2 (TSC complex subunit 2; plus strand). Cytogenetic location: 16p13.3.
Variant type: single nucleotide variant.
Coding change: c.3274C>T on transcript NM_000548.5 (MANE Select); coding-DNA position 3274, C replaced by T.
Protein change: p.Pro1092Ser; replaces proline 1092 with serine.
Molecular consequence: missense variant.
Genome position (GRCh38, 1-based): chr16:2,079,418, C>T. VCF-style: chr16-2079418-C-T. GRCh37 (hg19) VCF-style: chr16-2129419-C-T.
Other names: c.3274C>T (NM_000548.4, NM_000548.3); c.3145C>T, p.Pro1049Ser (NM_021055.3, NM_001363528.2, NM_001370405.1); c.3142C>T, p.Pro1048Ser (NM_001077183.3, NM_001370404.1); c.3274C>T, p.Pro1092Ser (NM_001114382.3); c.3034C>T, p.Pro1012Ser (NM_001318827.2); c.2998C>T, p.Pro1000Ser (NM_001318829.2); c.2542C>T, p.Pro848Ser (NM_001318831.2); c.3175C>T, p.Pro1059Ser (NM_001318832.2); short protein forms P1049S, P1092S, P1000S, P1059S, P848S, P1048S, P1012S.
Identifiers: ClinVar variation 1045275 (VCV001045275.12), dbSNP rs2089845906, ClinGen allele CA394286265.